The following is an entry in ClinVar:

NM_001242896.3(DEPDC5):c.155T>A (p.Leu52His)

Gene: DEPDC5 (DEP domain containing 5, GATOR1 subcomplex subunit; plus strand). Cytogenetic location: 22q12.2.
Variant type: single nucleotide variant.
Coding change: c.155T>A on transcript NM_001242896.3 (MANE Select); coding-DNA position 155, T replaced by A.
Protein change: p.Leu52His; replaces leucine 52 with histidine.
Molecular consequence: missense variant. On other transcripts: non-coding transcript variant (5).
Genome position (GRCh38, 1-based): chr22:31,760,664, T>A. VCF-style: chr22-31760664-T-A. GRCh37 (hg19) VCF-style: chr22-32156650-T-A.
Other names: c.155T>A, p.Leu52His (NM_001007188.4, NM_001136029.4, NM_001242897.2 and 9 more transcripts); short protein forms L52H.
Identifiers: ClinVar variation 1052551 (VCV001052551.9), dbSNP rs2148027396, ClinGen allele CA411279577.

ClinVar aggregate classification (germline): Uncertain significance (1 of 4 stars; one submission).

Conditions:
Familial focal epilepsy with variable foci (FPEVF). Identifiers: Orphanet 98820, MedGen C1858477, MONDO:0020310.

Submission:

Labcorp Genetics (formerly Invitae), Labcorp
Classification: Uncertain significance for Familial focal epilepsy with variable foci. Last evaluated: 2020-03-04. Review status: criteria provided, single submitter. Criteria: Invitae Variant Classification Sherloc (09022015). Collection method: clinical testing. Allele origin: germline.
Comment: Algorithms developed to predict the effect of missense changes on protein structure and function are either unavailable or do not agree on the potential impact of this missense change (SIFT: "Deleterious"; PolyPhen-2: "Not Available"; Align-GVGD: "Class C0"). This variant has not been reported in the literature in individuals with DEPDC5-related conditions. This variant is not present in population databases (ExAC no frequency). This sequence change replaces leucine with histidine at codon 52 of the DEPDC5 protein (p.Leu52His). The leucine residue is highly conserved and there is a moderate physicochemical difference between leucine and histidine. In summary, the available evidence is currently insufficient to determine the role of this variant in disease. Therefore, it has been classified as a Variant of Uncertain Significance.